The following is an entry in ClinVar:

NM_005219.5(DIAPH1):c.3273+3A>G

Gene: DIAPH1 (diaphanous related formin 1; minus strand). Cytogenetic location: 5q31.3.
Variant type: single nucleotide variant.
Coding change: c.3273+3A>G on transcript NM_005219.5 (MANE Select); 3 bases into the intron after coding-DNA position 3273, A replaced by G.
Molecular consequence: intron variant.
Genome position (GRCh38, 1-based): chr5:141,527,570, T>C on the plus strand (A>G on the coding strand, the complement: DIAPH1 is on the minus strand). VCF-style: chr5-141527570-T-C. GRCh37 (hg19) VCF-style: chr5-140907137-T-C.
Other names: c.3246+3A>G (NM_001079812.3); c.3273+3A>G (NM_001314007.2).
Identifiers: ClinVar variation 4784555 (VCV004784555.1).

ClinVar aggregate classification (germline): Uncertain significance (1 of 4 stars; one submission).

Conditions:
Autosomal dominant nonsyndromic hearing loss 1. Also called: KONIGSMARK SYNDROME; DEAFNESS, AUTOSOMAL DOMINANT 1, WITH OR WITHOUT THROMBOCYTOPENIA. Identifiers: Orphanet 90635, MedGen C1852282, MONDO:0007424, OMIM 124900.
Progressive microcephaly-seizures-cortical blindness-developmental delay syndrome. Also called: Seizures, cortical blindness, and microcephaly syndrome. Identifiers: Orphanet 477814, MedGen C5567650, MONDO:0014714, OMIM 616632.

Submission:

Labcorp Genetics (formerly Invitae), Labcorp
Classification: Uncertain significance for Progressive microcephaly-seizures-cortical blindness-developmental delay syndrome; Autosomal dominant nonsyndromic hearing loss 1. Last evaluated: 2025-04-01. Review status: criteria provided, single submitter. Criteria: Invitae Variant Classification Sherloc (09022015). Collection method: clinical testing. Allele origin: germline.
Comment: This sequence change falls in intron 24 of the DIAPH1 gene. It does not directly change the encoded amino acid sequence of the DIAPH1 protein. It affects a nucleotide within the consensus splice site. This variant is not present in population databases (gnomAD no frequency). This variant has not been reported in the literature in individuals affected with DIAPH1-related conditions. Variants that disrupt the consensus splice site are a relatively common cause of aberrant splicing (PMID: 17576681, 9536098). Algorithms developed to predict the effect of sequence changes on RNA splicing suggest that this variant may disrupt the consensus splice site. In summary, the available evidence is currently insufficient to determine the role of this variant in disease. Therefore, it has been classified as a Variant of Uncertain Significance.

Literature cited by the submitters: PubMed 17576681; PubMed 9536098.